The following is an entry in ClinVar:

NM_015158.5(KANK1):c.3994C>T (p.Pro1332Ser)

Gene: KANK1 (KN motif and ankyrin repeat domains 1; plus strand). Cytogenetic location: 9p24.3.
Variant type: single nucleotide variant.
Coding change: c.3994C>T on transcript NM_015158.5 (MANE Select); coding-DNA position 3994, C replaced by T.
Protein change: p.Pro1332Ser; replaces proline 1332 with serine.
Molecular consequence: missense variant. On other transcripts: non-coding transcript variant (1).
Genome position (GRCh38, 1-based): chr9:744,587, C>T. VCF-style: chr9-744587-C-T. GRCh37 (hg19) VCF-style: chr9-744587-C-T.
Other names: c.3520C>T, p.Pro1174Ser (NM_001354341.2, NM_153186.6, NM_001354337.2 and 2 more transcripts); c.3280C>T, p.Pro1094Ser (NM_001354342.2, NM_001354343.2, NM_001354339.2); c.3466C>T, p.Pro1156Ser (NM_001354344.2, NM_001354338.2, NM_001354340.2); c.3226C>T, p.Pro1076Ser (NM_001354336.2); c.3994C>T, p.Pro1332Ser (NM_001256876.3, NM_001256877.3, NM_001354334.2); c.3754C>T, p.Pro1252Ser (NM_001354331.2); c.3940C>T, p.Pro1314Ser (NM_001354332.2); short protein forms P1156S, P1094S, P1174S, P1314S, P1332S, P1076S, P1252S.
Identifiers: ClinVar variation 2963667 (VCV002963667.3), dbSNP rs768866619, ClinGen allele CA372763901.

ClinVar aggregate classification (germline): Uncertain significance (1 of 4 stars; one submission).

gnomAD v4.1: 2 of 1,614,170 alleles (0.00012%); highest among the groups gnomAD compares: Non-Finnish European, 0.00017%; no homozygotes.

Submission:

Labcorp Genetics (formerly Invitae), Labcorp
Classification: Uncertain significance. Last evaluated: 2022-11-08. Review status: criteria provided, single submitter. Criteria: Invitae Variant Classification Sherloc (09022015). Collection method: clinical testing. Allele origin: germline.
Comment: In summary, the available evidence is currently insufficient to determine the role of this variant in disease. Therefore, it has been classified as a Variant of Uncertain Significance. Algorithms developed to predict the effect of missense changes on protein structure and function are either unavailable or do not agree on the potential impact of this missense change (SIFT: "Deleterious"; PolyPhen-2: "Probably Damaging"; Align-GVGD: "Class C0"). This variant has not been reported in the literature in individuals affected with KANK1-related conditions. This variant is not present in population databases (gnomAD no frequency). This sequence change replaces proline, which is neutral and non-polar, with serine, which is neutral and polar, at codon 1332 of the KANK1 protein (p.Pro1332Ser).